The following is an entry in ClinVar:

ClinVar aggregate classification (germline): Uncertain significance. Review status: criteria provided, multiple submitters, no conflicts (2 of 4 stars). 4 submissions from 4 submitters: Uncertain significance (4). Last evaluated 2026-03-30.

Conditions:
Familial thoracic aortic aneurysm and aortic dissection (TAAD). Also called: Thoracic aortic aneurysms and dissections. Identifiers: Orphanet 91387, MedGen C4707243, MONDO:0019625.
Congenital contractural arachnodactyly (CCA). Also called: BEALS SYNDROME; Beals-Hecht syndrome; Arthrogryposis, distal, type 9. Identifiers: Orphanet 115, MedGen C0220668, MONDO:0007363, OMIM 121050.

Allele frequency attached by ClinVar (database versions not stated): gnomAD 0.00001; gnomAD exomes below 0.00001; TOPMed 0.00001.
gnomAD v4.1: 3 of 1,591,324 alleles (0.00019%); highest among the groups gnomAD compares: Non-Finnish European, 0.00026%; no homozygotes.

Submissions (4):

GeneDx
Classification: Uncertain significance. Last evaluated: 2026-03-30. Review status: criteria provided, single submitter. Criteria: GeneDx Variant Classification Process June 2021. Collection method: clinical testing. Allele origin: germline.
Comment: Not observed at significant frequency in large population cohorts (gnomAD); In silico analysis supports that this missense variant has a deleterious effect on protein structure/function; Has not been previously published as pathogenic or benign to our knowledge; In silico analysis is inconclusive as to whether the variant alters gene splicing. In the absence of RNA/functional studies, the actual effect of this sequence change is unknown.

Women's Health and Genetics/Laboratory Corporation of America, LabCorp
Classification: Uncertain significance. Last evaluated: 2026-03-02. Review status: criteria provided, single submitter. Criteria: LabCorp Variant Classification Summary - May 2015. Collection method: clinical testing. Allele origin: germline.

Labcorp Genetics (formerly Invitae), Labcorp
Classification: Uncertain significance for Congenital contractural arachnodactyly. Last evaluated: 2026-01-09. Review status: criteria provided, single submitter. Criteria: Invitae Variant Classification Sherloc (09022015). Collection method: clinical testing. Allele origin: germline.
Comment: This sequence change replaces aspartic acid, which is acidic and polar, with glycine, which is neutral and non-polar, at codon 765 of the FBN2 protein (p.Asp765Gly). This variant is not present in population databases (gnomAD no frequency). This missense change has been observed in individuals with aortic root and/or ascending aortic dilation (internal data). ClinVar contains an entry for this variant (Variation ID: 528419). Invitae Evidence Modeling of protein sequence and biophysical properties (such as structural, functional, and spatial information, amino acid conservation, physicochemical variation, residue mobility, and thermodynamic stability) indicates that this missense variant is not expected to disrupt FBN2 protein function with a negative predictive value of 80%. Algorithms developed to predict the effect of sequence changes on RNA splicing suggest that this variant may disrupt the consensus splice site. In summary, the available evidence is currently insufficient to determine the role of this variant in disease. Therefore, it has been classified as a Variant of Uncertain Significance.

Ambry Genetics
Classification: Uncertain significance for Familial thoracic aortic aneurysm and aortic dissection. Last evaluated: 2026-01-06. Review status: criteria provided, single submitter. Criteria: Ambry Variant Classification Scheme 2023. Collection method: clinical testing. Allele origin: germline.
Comment: The p.D765G variant (also known as c.2294A>G), located in coding exon 17 of the FBN2 gene, results from an A to G substitution at nucleotide position 2294. The aspartic acid at codon 765 is replaced by glycine, an amino acid with similar properties. This amino acid position is conserved. In addition, this alteration is predicted to be deleterious by in silico analysis. Based on the available evidence, the clinical significance of this variant remains unclear.

NM_001999.4(FBN2):c.2294A>G (p.Asp765Gly)

Gene: FBN2 (fibrillin 2; minus strand). Cytogenetic location: 5q23.3.
Variant type: single nucleotide variant.
Coding change: c.2294A>G on transcript NM_001999.4 (MANE Select); coding-DNA position 2294, A replaced by G.
Protein change: p.Asp765Gly; replaces aspartic acid 765 with glycine.
Molecular consequence: missense variant.
Genome position (GRCh38, 1-based): chr5:128,366,385, T>C on the plus strand (A>G on the coding strand, the complement: FBN2 is on the minus strand). VCF-style: chr5-128366385-T-C. GRCh37 (hg19) VCF-style: chr5-127702078-T-C.
Other names: short protein forms D765G.
Identifiers: ClinVar variation 528419 (VCV000528419.14), dbSNP rs1485036763, ClinGen allele CA360768512.
Genomic context (GRCh38, chr5:128,366,385, plus strand): 5'-CTATACGATTATGTCACGTGATTATTATAAAGTTGAGATTAACTAGAGTTACCTCTTCCA[T>C]CCACAGTGATACCTACTCCACTACTACAAAGGCCGTGGAATTCAGCTGTATGACAAAAAG-3'
Protein context (NP_001990.2, residues 755-775): LCSSGVGITV[Asp765Gly]GRDINECALD